The following is an entry in ClinVar:

ClinVar aggregate classification (germline): Conflicting classifications of pathogenicity. Review status: criteria provided, conflicting classifications (1 of 4 stars). 2 submissions from 2 submitters: Likely pathogenic (1); Uncertain significance (1). Last evaluated 2025-08-06.

Conditions:
Autosomal recessive limb-girdle muscular dystrophy type 2J (LGMDR10). Also called: Limb-girdle muscular dystrophy, type 2J; MUSCULAR DYSTROPHY, LIMB-GIRDLE, AUTOSOMAL RECESSIVE 10. Identifiers: Orphanet 140922, MedGen C1837342, MONDO:0012127, OMIM 608807.
Dilated cardiomyopathy 1G (CMD1G). Identifiers: Orphanet 154, MedGen C1858763, MONDO:0011400, OMIM 604145.

Submissions (2):

Labcorp Genetics (formerly Invitae), Labcorp
Classification: Likely pathogenic for Dilated cardiomyopathy 1G; Autosomal recessive limb-girdle muscular dystrophy type 2J. Last evaluated: 2025-08-06. Review status: criteria provided, single submitter. Criteria: Invitae Variant Classification Sherloc (09022015). Collection method: clinical testing. Allele origin: germline.
Comment: This sequence change creates a premature translational stop signal (p.Cys5374*) in the TTN gene. While this is not anticipated to result in nonsense mediated decay, it is expected to create a truncated TTN protein. This variant is not present in population databases (gnomAD no frequency). This variant has not been reported in the literature in individuals affected with TTN-related conditions. ClinVar contains an entry for this variant (Variation ID: 3602223). This variant is located in the I band of TTN (PMID: 25589632). Truncating variants in this region have been reported in individuals affected with autosomal recessive centronuclear myopathy (PMID: 23975875, internal data). Truncating variants in this region have also been identified in individuals affected with autosomal dominant dilated cardiomyopathy and/or cardio-related conditions (PMID: 27869827, 32964742, internal data). In summary, the currently available evidence indicates that the variant is pathogenic, but additional data are needed to prove that conclusively. Therefore, this variant has been classified as Likely Pathogenic.

GeneDx
Classification: Uncertain significance. Last evaluated: 2024-07-30. Review status: criteria provided, single submitter. Criteria: GeneDx Variant Classification Process June 2021. Collection method: clinical testing. Allele origin: germline. Affected: yes.
Comment: Has not been previously published as pathogenic or benign in association with a titinopathy to our knowledge; Not observed at significant frequency in large population cohorts (gnomAD); Nonsense variant predicted to result in protein truncation or nonsense mediated decay in a gene or region of a gene for which loss of function is not a well-established mechanism of disease; This variant is associated with the following publications: (PMID: 33226272)

Literature cited by the submitters: PubMed 25589632 (cited by Labcorp Genetics (formerly Invitae), Labcorp); PubMed 23975875 (cited by Labcorp Genetics (formerly Invitae), Labcorp); PubMed 27869827 (cited by Labcorp Genetics (formerly Invitae), Labcorp); PubMed 32964742 (cited by Labcorp Genetics (formerly Invitae), Labcorp).

NM_001267550.2(TTN):c.16122C>A (p.Cys5374Ter)

Gene: TTN (titin; minus strand). Cytogenetic location: 2q31.2.
Variant type: single nucleotide variant.
Coding change: c.16122C>A on transcript NM_001267550.2 (MANE Select); coding-DNA position 16122, C replaced by A.
Protein change: p.Cys5374Ter; replaces cysteine 5374 with a stop codon.
Molecular consequence: nonsense. On other transcripts: intron variant (3).
Genome position (GRCh38, 1-based): chr2:178,733,054, G>T on the plus strand (C>A on the coding strand, the complement: TTN is on the minus strand). VCF-style: chr2-178733054-G-T. GRCh37 (hg19) VCF-style: chr2-179597781-G-T.
Other names: c.15171C>A, p.Cys5057Ter (NM_001256850.1); c.12390C>A, p.Cys4130Ter (NM_133378.4); c.13282+5028C>A (NM_003319.4); c.13858+5028C>A (NM_133437.4); c.13657+5028C>A (NM_133432.3); short protein forms C4130*, C5057*, C5374*.
Identifiers: ClinVar variation 3602223 (VCV003602223.2).